The following is an entry in ClinVar:

ClinVar aggregate classification (germline): Uncertain significance (1 of 4 stars; one submission).

Conditions:
Frontotemporal dementia and/or amyotrophic lateral sclerosis 1 (FTDALS1). Also called: C9orf72 Frontotemporal Dementia and/or Amyotrophic Lateral Sclerosis; Frontotemporal dementia with motor neuron disease 1. Identifiers: Orphanet 275872, MedGen C5779877, MONDO:0007105, OMIM 105550.
Paget disease of bone 2, early-onset (PDB2). Also called: Paget disease of bone 2. Identifiers: MedGen C4085251, MONDO:0011183, OMIM 602080.

Allele frequency attached by ClinVar (database versions not stated): gnomAD exomes 0.00002; TOPMed 0.00005; 1000 Genomes Project 30x 0.00016; 1000 Genomes Project 0.00020.
gnomAD v4.1: 31 of 1,613,904 alleles (0.0019%); highest among the groups gnomAD compares: East Asian, 0.031%; no homozygotes.

Submission:

Labcorp Genetics (formerly Invitae), Labcorp
Classification: Uncertain significance for Paget disease of bone 2, early-onset; Frontotemporal dementia and/or amyotrophic lateral sclerosis 1. Last evaluated: 2025-04-03. Review status: criteria provided, single submitter. Criteria: Invitae Variant Classification Sherloc (09022015). Collection method: clinical testing. Allele origin: germline.
Comment: This sequence change replaces arginine, which is basic and polar, with glutamine, which is neutral and polar, at codon 161 of the SQSTM1 protein (p.Arg161Gln). This variant is present in population databases (rs118160361, gnomAD 0.06%). This missense change has been observed in individual(s) with amyotrophic lateral sclerosis (PMID: 37952009). ClinVar contains an entry for this variant (Variation ID: 1483173). Invitae Evidence Modeling of protein sequence and biophysical properties (such as structural, functional, and spatial information, amino acid conservation, physicochemical variation, residue mobility, and thermodynamic stability) indicates that this missense variant is not expected to disrupt SQSTM1 protein function with a negative predictive value of 80%. In summary, the available evidence is currently insufficient to determine the role of this variant in disease. Therefore, it has been classified as a Variant of Uncertain Significance.

Literature cited by the submitters: PubMed 37952009.

NM_003900.5(SQSTM1):c.482G>A (p.Arg161Gln)

Gene: SQSTM1 (sequestosome 1; plus strand). Cytogenetic location: 5q35.3.
Variant type: single nucleotide variant.
Coding change: c.482G>A on transcript NM_003900.5 (MANE Select); coding-DNA position 482, G replaced by A.
Protein change: p.Arg161Gln; replaces arginine 161 with glutamine.
Molecular consequence: missense variant.
Genome position (GRCh38, 1-based): chr5:179,824,038, G>A. VCF-style: chr5-179824038-G-A. GRCh37 (hg19) VCF-style: chr5-179251038-G-A.
Other names: c.230G>A, p.Arg77Gln (NM_001142298.2, NM_001142299.2); short protein forms R77Q, R161Q.
Identifiers: ClinVar variation 1483173 (VCV001483173.6), dbSNP rs118160361, ClinGen allele CA3600522.